The following is an entry in ClinVar:

ClinVar aggregate classification (germline): Benign/Likely benign. Review status: criteria provided, multiple submitters, no conflicts (2 of 4 stars). 6 submissions from 5 submitters: Benign (2); Likely benign (4). Last evaluated 2026-01-04.

Conditions:
DYNC1H1-related disorder. Also called: DYNC1H1-related condition; DYNC1H1-related disorders. Identifiers: MedGen CN381529.
Autosomal dominant cerebellar ataxia. Also called: Spinocerebellar Ataxia, Dominant. Identifiers: Orphanet 99, MedGen C4087347, MONDO:0020380.
Charcot-Marie-Tooth disease axonal type 2O. Also called: CHARCOT-MARIE-TOOTH NEUROPATHY, AXONAL, TYPE 2O; CHARCOT-MARIE-TOOTH DISEASE, AXONAL, AUTOSOMAL DOMINANT, TYPE 2O; Charcot-Marie-Tooth Neuropathy Type 2O; Charcot-Marie-Tooth disease, axonal, type 20. Identifiers: Orphanet 284232, MedGen C3280220, MONDO:0013644, OMIM 614228.

Allele frequency attached by ClinVar (database versions not stated): gnomAD exomes 0.00004 and 0.00007; ExAC 0.00009; gnomAD 0.00030 and 0.00034; 1000 Genomes Project 30x 0.00031; TOPMed 0.00040; ESP Exome Variant Server 0.00046.

Submissions (6):

Labcorp Genetics (formerly Invitae), Labcorp
Classification: Likely benign for Charcot-Marie-Tooth disease axonal type 2O. Last evaluated: 2026-01-04. Review status: criteria provided, single submitter. Criteria: Invitae Variant Classification Sherloc (09022015). Collection method: clinical testing. Allele origin: germline.

PreventionGenetics, part of Exact Sciences
Classification: Likely benign for DYNC1H1-related condition. Last evaluated: 2025-07-14. Review status: criteria provided, single submitter. Criteria: ACMG Guidelines, 2015. Collection method: clinical testing. Allele origin: germline.
Comment: This variant is classified as likely benign based on ACMG/AMP sequence variant interpretation guidelines (Richards et al. 2015 PMID: 25741868, with internal and published modifications).

GeneDx
Classification: Benign. Last evaluated: 2019-08-16. Review status: criteria provided, single submitter. Criteria: GeneDx Variant Classification Process June 2021. Collection method: clinical testing. Allele origin: germline. Affected: yes.

Illumina Laboratory Services, Illumina
Classification: Likely benign for Spinocerebellar Ataxia, Dominant. Last evaluated: 2018-01-12. Review status: criteria provided, single submitter. Criteria: ICSL Variant Classification Criteria 13 December 2019. Collection method: clinical testing. Allele origin: germline.
Comment: This variant was observed in the ICSL laboratory as part of a predisposition screen in an ostensibly healthy population. It had not been previously curated by ICSL or reported in the Human Gene Mutation Database (HGMD: prior to June 1st, 2018), and was therefore a candidate for classification through an automated scoring system. Utilizing variant allele frequency, disease prevalence and penetrance estimates, and inheritance mode, an automated score was calculated to assess if this variant is too frequent to cause the disease. Based on the score and internal cut-off values, a variant classified as likely benign is not then subjected to further curation. The score for this variant resulted in a classification of likely benign for this disease.

Illumina Laboratory Services, Illumina
Classification: Likely benign for Charcot-Marie-Tooth disease axonal type 2O. Last evaluated: 2018-01-12. Review status: criteria provided, single submitter. Criteria: ICSL Variant Classification Criteria 13 December 2019. Collection method: clinical testing. Allele origin: germline.
Comment: the same text as in the submission from Illumina Laboratory Services, Illumina above.

Athena Diagnostics
Classification: Benign. Last evaluated: 2017-09-20. Review status: criteria provided, single submitter. Criteria: Athena Diagnostics Criteria. Collection method: clinical testing. Allele origin: germline.

NM_001376.5(DYNC1H1):c.11596-7G>A

Gene: DYNC1H1 (dynein cytoplasmic 1 heavy chain 1; plus strand). Cytogenetic location: 14q32.31.
Variant type: single nucleotide variant.
Coding change: c.11596-7G>A on transcript NM_001376.5 (MANE Select); 7 bases into the intron before coding-DNA position 11596, G replaced by A.
Molecular consequence: intron variant.
Genome position (GRCh38, 1-based): chr14:102,039,631, G>A. VCF-style: chr14-102039631-G-A. GRCh37 (hg19) VCF-style: chr14-102505968-G-A.
Identifiers: ClinVar variation 238989 (VCV000238989.18), dbSNP rs375593873, ClinGen allele CA7353678.